The following is an entry in ClinVar:

NM_022455.5(NSD1):c.6475T>A (p.Cys2159Ser)

Gene: NSD1 (nuclear receptor binding SET domain protein 1; plus strand). Cytogenetic location: 5q35.3.
Variant type: single nucleotide variant.
Coding change: c.6475T>A on transcript NM_022455.5 (MANE Select); coding-DNA position 6475, T replaced by A.
Protein change: p.Cys2159Ser; replaces cysteine 2159 with serine.
Molecular consequence: missense variant.
Genome position (GRCh38, 1-based): chr5:177,293,843, T>A. VCF-style: chr5-177293843-T-A. GRCh37 (hg19) VCF-style: chr5-176720844-T-A.
Other names: c.5602T>A, p.Cys1868Ser (NM_001365684.2, NM_001409308.1, NM_172349.5); c.6475T>A, p.Cys2159Ser (NM_001409301.1, NM_001409302.1, NM_001409303.1); c.6055T>A, p.Cys2019Ser (NM_001409304.1); c.5722T>A, p.Cys1908Ser (NM_001409305.1); c.5713T>A, p.Cys1905Ser (NM_001409306.1, NM_001409307.1); c.5353T>A, p.Cys1785Ser (NM_001409309.1); short protein forms C1890S, C2159S, C1905S, C2019S, C1785S, C1908S, C1868S.
Identifiers: ClinVar variation 1038714 (VCV001038714.9), dbSNP rs1760056582, ClinGen allele CA362323267.
Genomic context (GRCh38, chr5:177,293,843, plus strand): 5'-ATATGTATCTCTTTTTTCCTAAACTTTTGATTTACTTCTGTGTTTTCAGGGAAATGGGAA[T>A]GTCCGTGGCATCAGTGTGACATCTGCGGGAAGGAAGCAGCCTCCTTCTGTGAGATGTGCC-3'
Protein context (NP_071900.2, residues 2149-2169): LTKRPAGKWE[Cys2159Ser]PWHQCDICGK

ClinVar aggregate classification (germline): Pathogenic (1 of 4 stars; one submission).

Submission:

Labcorp Genetics (formerly Invitae), Labcorp
Classification: Pathogenic. Last evaluated: 2021-02-12. Review status: criteria provided, single submitter. Criteria: Invitae Variant Classification Sherloc (09022015). Collection method: clinical testing. Allele origin: germline.
Comment: This variant disrupts the p.Cys2159 amino acid residue in NSD1. Other variant(s) that disrupt this residue have been observed in individuals with NSD1-related conditions (PMID: 15942875), which suggests that this may be a clinically significant amino acid residue. For these reasons, this variant has been classified as Pathogenic. Advanced modeling of protein sequence and biophysical properties (such as structural, functional, and spatial information, amino acid conservation, physicochemical variation, residue mobility, and thermodynamic stability) performed at Invitae indicates that this missense variant is expected to disrupt NSD1 protein function. This variant has been observed in individual(s) with clinical features of Sotos syndrome (Invitae). In at least one individual the variant was observed to be de novo. This variant is not present in population databases (ExAC no frequency). This sequence change replaces cysteine with serine at codon 2159 of the NSD1 protein (p.Cys2159Ser). The cysteine residue is highly conserved and there is a moderate physicochemical difference between cysteine and serine.

Literature cited by the submitters: PubMed 15942875; PubMed 2010.